The following is an entry in ClinVar:

NM_000392.5(ABCC2):c.3215T>C (p.Phe1072Ser)

Gene: ABCC2 (ATP binding cassette subfamily C member 2; plus strand). Cytogenetic location: 10q24.2.
Variant type: single nucleotide variant.
Coding change: c.3215T>C on transcript NM_000392.5 (MANE Select); coding-DNA position 3215, T replaced by C.
Protein change: p.Phe1072Ser; replaces phenylalanine 1072 with serine.
Molecular consequence: missense variant.
Genome position (GRCh38, 1-based): chr10:99,832,088, T>C. VCF-style: chr10-99832088-T-C. GRCh37 (hg19) VCF-style: chr10-101591845-T-C.
Other names: short protein forms F1072S.
Identifiers: ClinVar variation 4279624 (VCV004279624.1).
Genomic context (GRCh38, chr10:99,832,088, plus strand): 5'-CATCAAATATCTTGCACAAGCAACTGCTGAACAATATCCTTCGAGCACCTATGAGATTTT[T>C]TGACACAACACCCACAGGCCGGATTGTGAACAGGTTTGCCGGCGTAAGTATCTCAAGAAC-3'
Protein context (NP_000383.2, residues 1062-1082): NNILRAPMRF[Phe1072Ser]DTTPTGRIVN

ClinVar aggregate classification (germline): Uncertain significance (1 of 4 stars; one submission).

Conditions:
Dubin-Johnson syndrome (DJS). Also called: Jaundice, Chronic Idiopathic; HYPERBILIRUBINEMIA, DUBIN-JOHNSON TYPE; Hyperbilirubinemia type 2. Identifiers: Orphanet 234, MedGen C0022350, MONDO:0009380, OMIM 237500.

Submission:

Diagnostics Services (NGS), CSIR - Centre For Cellular And Molecular Biology
Classification: Uncertain significance for Dubin-Johnson syndrome. Last evaluated: 2025-09-19. Review status: criteria provided, single submitter. Criteria: ACMG Guidelines, 2015. Collection method: clinical testing. Allele origin: germline. Affected: yes. Observed: 1 variant allele, 1 homozygote.
Comment: The c.3215T>C variant is not present in 1000 Genomes, EVS, gnomAD, Indian Exome Database or our internal database. The variant has neither been published in the literature for ABCC2-related conditions nor reported to clinical databases like Human Genome Mutation database (HGMD), OMIM, or ClinVar in any affected individuals. In-silico pathogenicity prediction programs like SIFT, Polyphen-2, MutationTaster2, CADD, Franklin etc predicted this variant to be likely deleterious however these predictions were not confirmed by published functional studies.